The following is an entry in ClinVar:

NM_020778.5(ALPK3):c.24C>A (p.Ser8Arg)

Gene: ALPK3 (alpha kinase 3; plus strand). Cytogenetic location: 15q25.3.
Variant type: single nucleotide variant.
Coding change: c.24C>A on transcript NM_020778.5 (MANE Select); coding-DNA position 24, C replaced by A.
Protein change: p.Ser8Arg; replaces serine 8 with arginine.
Molecular consequence: missense variant.
Genome position (GRCh38, 1-based): chr15:84,817,476, C>A. VCF-style: chr15-84817476-C-A. GRCh37 (hg19) VCF-style: chr15-85360707-C-A.
Other names: short protein forms S8R.
Identifiers: ClinVar variation 1435085 (VCV001435085.9), dbSNP rs1301150493, ClinGen allele CA393369309.

ClinVar aggregate classification (germline): Uncertain significance. Review status: criteria provided, multiple submitters, no conflicts (2 of 4 stars). 2 submissions from 2 submitters: Uncertain significance (2). Last evaluated 2024-09-09.

Submissions (2):

GeneDx
Classification: Uncertain significance. Last evaluated: 2024-09-09. Review status: criteria provided, single submitter. Criteria: GeneDx Variant Classification Process June 2021. Collection method: clinical testing. Allele origin: germline. Affected: yes.
Comment: Not observed at significant frequency in large population cohorts (gnomAD); In silico analysis indicates that this missense variant does not alter protein structure/function; Has not been previously published as pathogenic or benign to our knowledge

Labcorp Genetics (formerly Invitae), Labcorp
Classification: Uncertain significance. Last evaluated: 2021-03-09. Review status: criteria provided, single submitter. Criteria: Invitae Variant Classification Sherloc (09022015). Collection method: clinical testing. Allele origin: germline.
Comment: This sequence change replaces serine with arginine at codon 210 of the ALPK3 protein (p.Ser210Arg). The serine residue is weakly conserved and there is a moderate physicochemical difference between serine and arginine. The frequency data for this variant in the population databases is considered unreliable, as metrics indicate insufficient coverage at this position in the ExAC database. This variant has not been reported in the literature in individuals with ALPK3-related conditions. Algorithms developed to predict the effect of missense changes on protein structure and function (SIFT, PolyPhen-2, Align-GVGD) all suggest that this variant is likely to be tolerated, but these predictions have not been confirmed by published functional studies and their clinical significance is uncertain. In summary, the available evidence is currently insufficient to determine the role of this variant in disease. Therefore, it has been classified as a Variant of Uncertain Significance.